The following is an entry in ClinVar:

ClinVar aggregate classification (germline): Uncertain significance (1 of 4 stars; one submission).

Submission:

GeneDx
Classification: Uncertain significance. Last evaluated: 2024-12-19. Review status: criteria provided, single submitter. Criteria: GeneDx Variant Classification Process June 2021. Collection method: clinical testing. Allele origin: germline. Affected: yes.
Comment: Not observed at significant frequency in large population cohorts (gnomAD); Has not been previously published as pathogenic or benign to our knowledge; Initiation codon variant in a gene for which loss-of-function is not an established mechanism of disease

NM_002181.4(IHH):c.1A>C (p.Met1Leu)

Gene: IHH (Indian hedgehog signaling molecule; minus strand). Cytogenetic location: 2q35.
Variant type: single nucleotide variant.
Coding change: c.1A>C on transcript NM_002181.4 (MANE Select); coding-DNA position 1, A replaced by C.
Protein change: p.Met1Leu; changes the start codon (methionine 1).
Molecular consequence: missense variant, initiator codon variant.
Genome position (GRCh38, 1-based): chr2:219,060,467, T>G on the plus strand (A>C on the coding strand, the complement: IHH is on the minus strand). VCF-style: chr2-219060467-T-G. GRCh37 (hg19) VCF-style: chr2-219925189-T-G.
Other names: short protein forms M1L.
Identifiers: ClinVar variation 3906348 (VCV003906348.1).